The following is an entry in ClinVar:

ClinVar aggregate classification (germline): Likely benign (0 of 4 stars; one submission).

Conditions:
MN1-related disorder. Also called: MN1-related condition.

gnomAD v4.1: 16 of 1,452,672 alleles (0.0011%); highest among the groups gnomAD compares: African/African-American, 0.0014%; no homozygotes.

Submission:

PreventionGenetics, part of Exact Sciences
Classification: Likely benign for MN1-related condition. Last evaluated: 2024-05-03. Review status: no assertion criteria provided. Collection method: clinical testing. Allele origin: germline.
Comment: This variant is classified as likely benign based on ACMG/AMP sequence variant interpretation guidelines (Richards et al. 2015 PMID: 25741868, with internal and published modifications).

NM_002430.3(MN1):c.1059G>T (p.Pro353=)

Gene: MN1 (MN1 proto-oncogene, transcriptional regulator; minus strand). Cytogenetic location: 22q12.1.
Variant type: single nucleotide variant.
Coding change: c.1059G>T on transcript NM_002430.3 (MANE Select); coding-DNA position 1059, G replaced by T.
Protein change: p.Pro353=; no amino-acid change (proline 353 retained).
Molecular consequence: synonymous variant.
Genome position (GRCh38, 1-based): chr22:27,799,485, C>A on the plus strand (G>T on the coding strand, the complement: MN1 is on the minus strand). VCF-style: chr22-27799485-C-A. GRCh37 (hg19) VCF-style: chr22-28195473-C-A.
Identifiers: ClinVar variation 3352095 (VCV003352095.1).